The following is an entry in ClinVar:

ClinVar aggregate classification (germline): Uncertain significance. Review status: criteria provided, multiple submitters, no conflicts (2 of 4 stars). 2 submissions from 2 submitters: Uncertain significance (2). Last evaluated 2025-11-12.

Conditions:
Tuberous sclerosis 2 (TSC2). Identifiers: Orphanet 805, MedGen C1860707, MONDO:0013199, OMIM 613254.
Hereditary cancer-predisposing syndrome. Also called: Tumor predisposition; Neoplastic Syndromes, Hereditary; Hereditary neoplastic syndrome; Hereditary Cancer Syndrome. Identifiers: Orphanet 140162, MedGen C0027672, MeSH D009386, MONDO:0015356.

Submissions (2):

Ambry Genetics
Classification: Uncertain significance for Hereditary cancer-predisposing syndrome. Last evaluated: 2025-11-12. Review status: criteria provided, single submitter. Criteria: Ambry Variant Classification Scheme 2023. Collection method: clinical testing. Allele origin: germline.
Comment: The p.P910L variant (also known as c.2729C>T), located in coding exon 23 of the TSC2 gene, results from a C to T substitution at nucleotide position 2729. The proline at codon 910 is replaced by leucine, an amino acid with similar properties. This amino acid position is not well conserved in available vertebrate species. In addition, the in silico prediction for this alteration is inconclusive. Based on the available evidence, the clinical significance of this variant remains unclear.

Labcorp Genetics (formerly Invitae), Labcorp
Classification: Uncertain significance for Tuberous sclerosis 2. Last evaluated: 2025-07-24. Review status: criteria provided, single submitter. Criteria: Invitae Variant Classification Sherloc (09022015). Collection method: clinical testing. Allele origin: germline.
Comment: This sequence change replaces proline, which is neutral and non-polar, with leucine, which is neutral and non-polar, at codon 910 of the TSC2 protein (p.Pro910Leu). This variant is not present in population databases (gnomAD no frequency). This variant has not been reported in the literature in individuals affected with TSC2-related conditions. ClinVar contains an entry for this variant (Variation ID: 2098452). Invitae Evidence Modeling of protein sequence and biophysical properties (such as structural, functional, and spatial information, amino acid conservation, physicochemical variation, residue mobility, and thermodynamic stability) indicates that this missense variant is not expected to disrupt TSC2 protein function with a negative predictive value of 95%. In summary, the available evidence is currently insufficient to determine the role of this variant in disease. Therefore, it has been classified as a Variant of Uncertain Significance.

NM_000548.5(TSC2):c.2729C>T (p.Pro910Leu)

Gene: TSC2 (TSC complex subunit 2; plus strand). Cytogenetic location: 16p13.3.
Variant type: single nucleotide variant.
Coding change: c.2729C>T on transcript NM_000548.5 (MANE Select); coding-DNA position 2729, C replaced by T.
Protein change: p.Pro910Leu; replaces proline 910 with leucine.
Molecular consequence: missense variant.
Genome position (GRCh38, 1-based): chr16:2,076,157, C>T. VCF-style: chr16-2076157-C-T. GRCh37 (hg19) VCF-style: chr16-2126158-C-T.
Other names: c.2729C>T, p.Pro910Leu (NM_001077183.3, NM_001114382.3, NM_001363528.2 and 6 more transcripts); c.2618C>T, p.Pro873Leu (NM_001318827.2, NM_001406670.1, NM_001406678.1); c.2582C>T, p.Pro861Leu (NM_001318829.2, NM_001406675.1, NM_001406676.1 and 1 more transcripts); c.2129C>T, p.Pro710Leu (NM_001318831.2, NM_001406680.1, NM_001406682.1 and 6 more transcripts); c.2762C>T, p.Pro921Leu (NM_001318832.2); c.2819C>T, p.Pro940Leu (NM_001406667.1, NM_001406668.1); c.2717C>T, p.Pro906Leu (NM_001406671.1, NM_001406673.1); c.2672C>T, p.Pro891Leu (NM_001406677.1); and 3 more; short protein forms P376L, P873L, P906L, P462L, P891L, P756L, P940L, P710L.
Identifiers: ClinVar variation 2098452 (VCV002098452.6), dbSNP rs2089329428, ClinGen allele CA394279572.